The following is an entry in ClinVar:

Conditions:
Breast-ovarian cancer, familial, susceptibility to, 1 (BROVCA1). Also called: BRCA1 Hereditary Breast and Ovarian Cancer; OVARIAN CANCER, SUSCEPTIBILITY TO. Identifiers: Orphanet 145, MedGen C2676676, MONDO:0011450, OMIM 604370. Disease mechanism: loss of function.

Submission:

Brotman Baty Institute, University of Washington
No classification provided (evidence only). Condition: Breast-ovarian cancer, familial 1. Review status: no classification provided. Collection method: in vitro. Allele origin: not applicable. Functional consequence: function_uncertain_variant.
ClinVar note: "not provided" was previously submitted as the classification for the variant. However, the classification appeared to be based only on an observation of functional data so it was converted to no classification on 2025-07-30.

NM_007294.4(BRCA1):c.5153-2A>T

Gene: BRCA1 (BRCA1 DNA repair associated; minus strand). Cytogenetic location: 17q21.31.
Variant type: single nucleotide variant.
Coding change: c.5153-2A>T on transcript NM_007294.4 (MANE Select); the canonical splice acceptor site of the intron before coding-DNA position 5153, A replaced by T.
Molecular consequence: splice acceptor variant.
Genome position (GRCh38, 1-based): chr17:43,063,375, T>A on the plus strand (A>T on the coding strand, the complement: BRCA1 is on the minus strand). VCF-style: chr17-43063375-T-A. GRCh37 (hg19) VCF-style: chr17-41215392-T-A.
Other names: c.5027-2A>T (NM_001407678.1, NM_001407676.1, NM_001407679.1 and 10 more transcripts); c.5030-2A>T (NM_001407666.1, NM_001407938.1, NM_001407667.1 and 6 more transcripts); c.1727-2A>T (NM_001408418.1, NM_001408420.1, NM_001408419.1); c.5150-2A>T (NM_001407616.1, NM_001407626.1, NM_001407617.1 and 17 more transcripts); c.5216-2A>T (NM_007300.4, NM_001407587.1, NM_001407585.1 and 1 more transcripts); c.5219-2A>T (NM_001407581.1, NM_001407582.1); c.4646-2A>T (NM_001407965.1); c.4886-2A>T (NM_001407930.1, NM_001407933.1, NM_001407927.1 and 4 more transcripts); and 72 more.
Identifiers: ClinVar variation 868760 (VCV000868760.3), dbSNP rs786202545, ClinGen allele CA10591236.